The following is an entry in ClinVar:

ClinVar aggregate classification (germline): Uncertain significance (1 of 4 stars; one submission).

Submission:

Labcorp Genetics (formerly Invitae), Labcorp
Classification: Uncertain significance. Last evaluated: 2022-03-09. Review status: criteria provided, single submitter. Criteria: Invitae Variant Classification Sherloc (09022015). Collection method: clinical testing. Allele origin: germline.
Comment: This sequence change falls in intron 15 of the TUBGCP4 gene. It does not directly change the encoded amino acid sequence of the TUBGCP4 protein. This variant is present in population databases (rs757987955, gnomAD 0.01%). This variant has not been reported in the literature in individuals affected with TUBGCP4-related conditions. Algorithms developed to predict the effect of sequence changes on RNA splicing suggest that this variant may disrupt the consensus splice site. In summary, the available evidence is currently insufficient to determine the role of this variant in disease. Therefore, it has been classified as a Variant of Uncertain Significance.

NM_014444.5(TUBGCP4):c.1732-15_1732-14del

Genes: TP53BP1 (tumor protein p53 binding protein 1; minus strand), TUBGCP4 (tubulin gamma complex component 4; plus strand). Cytogenetic location: 15q15.3.
Variant type: Microsatellite.
Coding change: c.1732-15_1732-14del on transcript NM_014444.5 (MANE Select); 15 bases into the intron before coding-DNA position 1732 through 14 bases into the intron before coding-DNA position 1732, 2 bases deleted (CT; older notation c.1732-15_1732-14delCT).
Molecular consequence: intron variant. On other transcripts: 3 prime UTR variant (5).
Genome position (GRCh38, 1-based): chr15:43,403,668-43,403,669, CT deleted; deleting any 2 consecutive bases within chr15:43,403,666-43,403,669 gives the same sequence; the c. name uses the placement nearest the transcript's 3' end. VCF-style (leftmost placement, unchanged base first): chr15-43403665-ACT-A. GRCh37 (hg19) VCF-style: chr15-43695863-ACT-A.
Other names: c.*3714AG[1] (NM_001141979.3, NM_001141980.3, NM_001355001.2 and 2 more transcripts); c.1735-15_1735-14del (NM_001286414.3).
Identifiers: ClinVar variation 1968980 (VCV001968980.2), dbSNP rs757987955, ClinGen allele CA7524180.